The following is an entry in ClinVar:

ClinVar aggregate classification (germline): Uncertain significance (1 of 4 stars; one submission).

Conditions:
Inborn genetic diseases. Identifiers: MedGen C0950123, MeSH D030342.

Submission:

Ambry Genetics
Classification: Uncertain significance for Inborn genetic diseases. Last evaluated: 2024-10-17. Review status: criteria provided, single submitter. Criteria: Ambry Variant Classification Scheme 2023. Collection method: clinical testing. Allele origin: germline.
Comment: The p.S363F variant (also known as c.1088C>T), located in coding exon 4 of the ATR gene, results from a C to T substitution at nucleotide position 1088. The serine at codon 363 is replaced by phenylalanine, an amino acid with highly dissimilar properties. This amino acid position is conserved. In addition, this alteration is predicted to be tolerated by in silico analysis. Based on the available evidence, the clinical significance of this variant remains unclear.

NM_001184.4(ATR):c.1088C>T (p.Ser363Phe)

Gene: ATR (ATR serine/threonine kinase; minus strand). Cytogenetic location: 3q23.
Variant type: single nucleotide variant.
Coding change: c.1088C>T on transcript NM_001184.4 (MANE Select); coding-DNA position 1088, C replaced by T.
Protein change: p.Ser363Phe; replaces serine 363 with phenylalanine.
Molecular consequence: missense variant.
Genome position (GRCh38, 1-based): chr3:142,562,314, G>A on the plus strand (C>T on the coding strand, the complement: ATR is on the minus strand). VCF-style: chr3-142562314-G-A. GRCh37 (hg19) VCF-style: chr3-142281156-G-A.
Other names: c.1088C>T, p.Ser363Phe (NM_001354579.2); short protein forms S363F.
Identifiers: ClinVar variation 3463074 (VCV003463074.1).